The following is an entry in ClinVar:

ClinVar aggregate classification (germline): Conflicting classifications of pathogenicity. Review status: criteria provided, conflicting classifications (1 of 4 stars). 4 submissions from 4 submitters: Uncertain significance (3); Likely benign (1). Last evaluated 2026-09-16.

Conditions:
SRP72-related disorder. Also called: SRP72-related condition.

Allele frequency attached by ClinVar (database versions not stated): gnomAD exomes below 0.00001; gnomAD 0.00001; TOPMed 0.00001.
gnomAD v4.1: 6 of 1,613,896 alleles (0.00037%); highest among the groups gnomAD compares: Non-Finnish European, 0.00042%; no homozygotes.

Submissions (4):

PreventionGenetics, part of Exact Sciences
Classification: Uncertain significance for SRP72-related condition. Last evaluated: 2026-09-16. Review status: criteria provided, single submitter. Criteria: ACMG Guidelines, 2015. Collection method: clinical testing. Allele origin: germline.
Comment: The SRP72 c.1588A>G variant is predicted to result in the amino acid substitution p.Ile530Val. To our knowledge, this variant has not been reported in the literature. This variant is reported in 0.00088% of alleles in individuals of European (Non-Finnish) descent in gnomAD. At this time, the clinical significance of this variant is uncertain due to the absence of conclusive functional and genetic evidence.

Labcorp Genetics (formerly Invitae), Labcorp
Classification: Uncertain significance. Last evaluated: 2025-11-15. Review status: criteria provided, single submitter. Criteria: Invitae Variant Classification Sherloc (09022015). Collection method: clinical testing. Allele origin: germline.
Comment: This sequence change replaces isoleucine, which is neutral and non-polar, with valine, which is neutral and non-polar, at codon 530 of the SRP72 protein (p.Ile530Val). This variant is present in population databases (no rsID available, gnomAD 0.0009%). This variant has not been reported in the literature in individuals affected with SRP72-related conditions. ClinVar contains an entry for this variant (Variation ID: 1471861). Invitae Evidence Modeling of protein sequence and biophysical properties (such as structural, functional, and spatial information, amino acid conservation, physicochemical variation, residue mobility, and thermodynamic stability) indicates that this missense variant is not expected to disrupt SRP72 protein function with a negative predictive value of 80%. In summary, the available evidence is currently insufficient to determine the role of this variant in disease. Therefore, it has been classified as a Variant of Uncertain Significance.

Ambry Genetics
Classification: Uncertain significance. Last evaluated: 2024-10-29. Review status: criteria provided, single submitter. Criteria: Ambry Variant Classification Scheme 2023. Collection method: clinical testing. Allele origin: germline.

Blueprint Genetics
Classification: Likely benign. Last evaluated: 2024-08-30. Review status: criteria provided, single submitter. Criteria: ACMG Guidelines, 2015. Collection method: clinical testing. Allele origin: germline.

NM_006947.4(SRP72):c.1588A>G (p.Ile530Val)

Gene: SRP72 (signal recognition particle 72; plus strand). Cytogenetic location: 4q12.
Variant type: single nucleotide variant.
Coding change: c.1588A>G on transcript NM_006947.4 (MANE Select); coding-DNA position 1588, A replaced by G.
Protein change: p.Ile530Val; replaces isoleucine 530 with valine.
Molecular consequence: missense variant. On other transcripts: non-coding transcript variant (1).
Genome position (GRCh38, 1-based): chr4:56,491,516, A>G. VCF-style: chr4-56491516-A-G. GRCh37 (hg19) VCF-style: chr4-57357682-A-G.
Other names: c.1405A>G, p.Ile469Val (NM_001267722.2); c.1588A>G (NM_006947.3); short protein forms I530V, I469V.
Identifiers: ClinVar variation 1471861 (VCV001471861.11), dbSNP rs1257738854, ClinGen allele CA357002071.
Genomic context (GRCh38, chr4:56,491,516, plus strand): 5'-GATAGTATGTCTCTAAAAGTAGATGTTGAGGCTCTTGAAAATTCTGCTGGTGCTACATAC[A>G]TTCGGAAGAAGGGTGGAAAAGTTACTGGAGATAGTCAACCAAAGGAACAAGGGTAATATT-3'
Protein context (NP_008878.3, residues 520-540): ALENSAGATY[Ile530Val]RKKGGKVTGD